The following is an entry in ClinVar:

ClinVar aggregate classification (germline): Pathogenic/Likely pathogenic. Review status: criteria provided, multiple submitters, no conflicts (2 of 4 stars). 2 submissions from 2 submitters: Pathogenic (1); Likely pathogenic (1). Last evaluated 2023-04-06.

Conditions:
Bloom syndrome (BLM). Also called: Bloom-Torre-Machacek syndrome. Identifiers: Orphanet 125, MedGen C0005859, MONDO:0008876, OMIM 210900.

Submissions (2):

Labcorp Genetics (formerly Invitae), Labcorp
Classification: Pathogenic for Bloom syndrome. Last evaluated: 2023-04-06. Review status: criteria provided, single submitter. Criteria: Invitae Variant Classification Sherloc (09022015). Collection method: clinical testing. Allele origin: germline.
Comment: ClinVar contains an entry for this variant (Variation ID: 964589). For these reasons, this variant has been classified as Pathogenic. This variant has not been reported in the literature in individuals affected with BLM-related conditions. This variant is not present in population databases (gnomAD no frequency). This sequence change creates a premature translational stop signal (p.Lys741*) in the BLM gene. It is expected to result in an absent or disrupted protein product. Loss-of-function variants in BLM are known to be pathogenic (PMID: 17407155).

GeneDx
Classification: Likely pathogenic. Last evaluated: 2022-11-07. Review status: criteria provided, single submitter. Criteria: GeneDx Variant Classification Process June 2021. Collection method: clinical testing. Allele origin: germline. Affected: yes.
Comment: Nonsense variant predicted to result in protein truncation or nonsense mediated decay in a gene for which loss of function is a known mechanism of disease; Not observed at significant frequency in large population cohorts (gnomAD); Has not been previously published as pathogenic or benign to our knowledge; This variant is associated with the following publications: (PMID: 17407155)

Literature cited by the submitters: PubMed 17407155 (cited by Labcorp Genetics (formerly Invitae), Labcorp).

NM_000057.4(BLM):c.2221A>T (p.Lys741Ter)

Gene: BLM (BLM RecQ like helicase; plus strand). Cytogenetic location: 15q26.1.
Variant type: single nucleotide variant.
Coding change: c.2221A>T on transcript NM_000057.4 (MANE Select); coding-DNA position 2221, A replaced by T.
Protein change: p.Lys741Ter; replaces lysine 741 with a stop codon.
Molecular consequence: nonsense.
Genome position (GRCh38, 1-based): chr15:90,766,937, A>T. VCF-style: chr15-90766937-A-T. GRCh37 (hg19) VCF-style: chr15-91310167-A-T.
Other names: c.2221A>T, p.Lys741Ter (NM_001287246.2, NM_001287247.2); c.1096A>T, p.Lys366Ter (NM_001287248.2); c.2221A>T (NM_000057.2); short protein forms K741*, K366*.
Identifiers: ClinVar variation 964589 (VCV000964589.8), dbSNP rs1896146578, ClinGen allele CA393844819.